The following is an entry in ClinVar:

ClinVar aggregate classification (germline): Likely pathogenic (1 of 4 stars; one submission).

Submission:

Dasa
Classification: Likely pathogenic. Last evaluated: 2024-12-27. Review status: criteria provided, single submitter. Criteria: DASA Assertion Criteria. Collection method: clinical testing. Allele origin: germline.
Comment: NM_003031.4(SIAH1):c.383G>A (p.Cys128Tyr) is a missense variant that results in the substitution of cysteine with tyrosine. The affected residue or protein region has prior evidence supporting clinical relevance. This variant is absent from population databases. Computational evidence supports a deleterious effect. Based on the currently available evidence, this variant is classified as likely pathogenic.

NM_003031.4(SIAH1):c.383G>A (p.Cys128Tyr)

Genes: LONP2 (lon peptidase 2, peroxisomal; plus strand), SIAH1 (siah E3 ubiquitin protein ligase 1; minus strand). Cytogenetic location: 16q12.1.
Variant type: single nucleotide variant.
Coding change: c.383G>A on transcript NM_003031.4 (MANE Select); coding-DNA position 383, G replaced by A.
Protein change: p.Cys128Tyr; replaces cysteine 128 with tyrosine.
Molecular consequence: missense variant. On other transcripts: 3 prime UTR variant (1).
Genome position (GRCh38, 1-based): chr16:48,362,046, C>T on the plus strand (G>A on the coding strand, the complement: SIAH1 is on the minus strand). VCF-style: chr16-48362046-C-T. GRCh37 (hg19) VCF-style: chr16-48395957-C-T.
Other names: c.476G>A, p.Cys159Tyr (NM_001006610.2); c.*450C>T (NM_001348078.2); short protein forms C128Y, C159Y.
Identifiers: ClinVar variation 4883842 (VCV004883842.2).